The following is an entry in ClinVar:

NM_199420.4(POLQ):c.5365A>G (p.Ser1789Gly)

Gene: POLQ (DNA polymerase theta; minus strand). Cytogenetic location: 3q13.33.
Variant type: single nucleotide variant.
Coding change: c.5365A>G on transcript NM_199420.4 (MANE Select); coding-DNA position 5365, A replaced by G.
Protein change: p.Ser1789Gly; replaces serine 1789 with glycine.
Molecular consequence: missense variant.
Genome position (GRCh38, 1-based): chr3:121,487,566, T>C on the plus strand (A>G on the coding strand, the complement: POLQ is on the minus strand). VCF-style: chr3-121487566-T-C. GRCh37 (hg19) VCF-style: chr3-121206413-T-C.
Other names: short protein forms S1789G.
Identifiers: ClinVar variation 1747081 (VCV001747081.2), dbSNP rs926277961, ClinGen allele CA81833050.

ClinVar aggregate classification (germline): Uncertain significance (1 of 4 stars; one submission).

Submission:

Ambry Genetics
Classification: Uncertain significance. Last evaluated: 2021-08-21. Review status: criteria provided, single submitter. Criteria: Ambry Variant Classification Scheme 2023. Collection method: clinical testing. Allele origin: germline.
Comment: The p.S1789G variant (also known as c.5365A>G), located in coding exon 16 of the POLQ gene, results from an A to G substitution at nucleotide position 5365. The serine at codon 1789 is replaced by glycine, an amino acid with similar properties. This amino acid position is conserved. In addition, this alteration is predicted to be tolerated by in silico analysis. Since supporting evidence is limited at this time, the clinical significance of this alteration remains unclear.